The following is an entry in ClinVar:

NM_206933.4(USH2A):c.11048-275G>A

Gene: USH2A (usherin; minus strand). Cytogenetic location: 1q41.
Variant type: single nucleotide variant.
Coding change: c.11048-275G>A on transcript NM_206933.4 (MANE Select); 275 bases into the intron before coding-DNA position 11048, G replaced by A.
Molecular consequence: intron variant.
Genome position (GRCh38, 1-based): chr1:215,760,118, C>T on the plus strand (G>A on the coding strand, the complement: USH2A is on the minus strand). VCF-style: chr1-215760118-C-T. GRCh37 (hg19) VCF-style: chr1-215933460-C-T.
Identifiers: ClinVar variation 667896 (VCV000667896.1), dbSNP rs2797227, ClinGen allele CA16078984.
Genomic context (GRCh38, chr1:215,760,118, plus strand): 5'-ACTAGCAGTGGATAATTTCTCTGCCTTGGTTGTCACTCTGAGAGTATTTTAAATCAAGGC[C>T]TGAGAGATCATCTGGGGATTTCAAACTTTTTAATACAATTTACCTGGAATATGTGAAAGT-3'

ClinVar aggregate classification (germline): Benign (1 of 4 stars; one submission).

Allele frequency attached by ClinVar (database versions not stated): 1000 Genomes Project 30x 0.57167; 1000 Genomes Project 0.57708; TOPMed 0.62544; gnomAD 0.63968 and 0.64575.
gnomAD v4.1: 98,410 of 152,040 alleles (65%); highest among the groups gnomAD compares: Non-Finnish European, 79%; 34,850 homozygotes.

Submission:

GeneDx
Classification: Benign. Last evaluated: 2018-06-14. Review status: criteria provided, single submitter. Criteria: GeneDx Variant Classification (06012015). Collection method: clinical testing. Allele origin: germline. Affected: yes.
Comment: This variant is considered likely benign or benign based on one or more of the following criteria: it is a conservative change, it occurs at a poorly conserved position in the protein, it is predicted to be benign by multiple in silico algorithms, and/or has population frequency not consistent with disease.